The following is an entry in ClinVar:

ClinVar aggregate classification (germline): Uncertain significance (1 of 4 stars; one submission).

Conditions:
Familial cancer of breast. Also called: hereditary breast carcinoma; Hereditary breast cancer; BREAST CANCER, FAMILIAL. Identifiers: Orphanet 227535, MedGen C0346153, MONDO:0016419, OMIM 114480. Disease mechanism: loss of function.

Submission:

Labcorp Genetics (formerly Invitae), Labcorp
Classification: Uncertain significance for Familial cancer of breast. Last evaluated: 2020-05-12. Review status: criteria provided, single submitter. Criteria: Invitae Variant Classification Sherloc (09022015). Collection method: clinical testing. Allele origin: germline.
Comment: This sequence change replaces serine with phenylalanine at codon 578 of the BARD1 protein (p.Ser578Phe). The serine residue is moderately conserved and there is a large physicochemical difference between serine and phenylalanine. This variant is not present in population databases (ExAC no frequency). This variant has not been reported in the literature in individuals with BARD1-related conditions. Algorithms developed to predict the effect of missense changes on protein structure and function are either unavailable or do not agree on the potential impact of this missense change (SIFT: "Not Available"; PolyPhen-2: "Probably Damaging"; Align-GVGD: "Not Available"). In summary, the available evidence is currently insufficient to determine the role of this variant in disease. Therefore, it has been classified as a Variant of Uncertain Significance.

NM_000465.4(BARD1):c.1733_1734delinsTC (p.Ser578Phe)

Gene: BARD1 (BRCA1 associated RING domain 1; minus strand). Cytogenetic location: 2q35.
Variant type: Indel.
Coding change: c.1733_1734delinsTC on transcript NM_000465.4 (MANE Select); coding-DNA positions 1733 to 1734, CT replaced by TC.
Protein change: p.Ser578Phe; replaces serine 578 with phenylalanine.
Molecular consequence: missense variant. On other transcripts: non-coding transcript variant (3), intron variant (1).
Genome position (GRCh38, 1-based): chr2:214,745,798-214,745,799, AG replaced by GA on the plus strand (CT replaced by TC on the coding strand, the reverse complement: BARD1 is on the minus strand). VCF-style: chr2-214745798-AG-GA. GRCh37 (hg19) VCF-style: chr2-215610522-AG-GA.
Other names: c.1676_1677delinsTC, p.Ser559Phe (NM_001282543.2); c.380_381delinsTC, p.Ser127Phe (NM_001282545.2); c.323_324delinsTC, p.Ser108Phe (NM_001282548.2); c.365-15291_365-15290delinsTC (NM_001282549.2); short protein forms S108F, S127F, S559F, S578F.
Identifiers: ClinVar variation 1062338 (VCV001062338.8), dbSNP rs2106021072, ClinGen allele CA2499215614.